The following is an entry in ClinVar:

ClinVar aggregate classification (germline): Uncertain significance (1 of 4 stars; one submission).

Submission:

Labcorp Genetics (formerly Invitae), Labcorp
Classification: Uncertain significance. Last evaluated: 2025-03-19. Review status: criteria provided, single submitter. Criteria: Invitae Variant Classification Sherloc (09022015). Collection method: clinical testing. Allele origin: germline.
Comment: This sequence change replaces threonine, which is neutral and polar, with serine, which is neutral and polar, at codon 54 of the GHR protein (p.Thr54Ser). This variant is not present in population databases (gnomAD no frequency). This variant has not been reported in the literature in individuals affected with GHR-related conditions. Invitae Evidence Modeling of protein sequence and biophysical properties (such as structural, functional, and spatial information, amino acid conservation, physicochemical variation, residue mobility, and thermodynamic stability) indicates that this missense variant is not expected to disrupt GHR protein function with a negative predictive value of 95%. In summary, the available evidence is currently insufficient to determine the role of this variant in disease. Therefore, it has been classified as a Variant of Uncertain Significance.

NM_000163.5(GHR):c.161C>G (p.Thr54Ser)

Gene: GHR (growth hormone receptor; plus strand). Cytogenetic location: 5p12.
Variant type: single nucleotide variant.
Coding change: c.161C>G on transcript NM_000163.5 (MANE Select); coding-DNA position 161, C replaced by G.
Protein change: p.Thr54Ser; replaces threonine 54 with serine.
Molecular consequence: missense variant.
Genome position (GRCh38, 1-based): chr5:42,688,914, C>G. VCF-style: chr5-42688914-C-G. GRCh37 (hg19) VCF-style: chr5-42689016-C-G.
Other names: c.182C>G, p.Thr61Ser (NM_001242399.2); c.161C>G, p.Thr54Ser (NM_001242400.2, NM_001242401.4, NM_001242402.2 and 5 more transcripts); c.95C>G, p.Thr32Ser (NM_001242460.2); short protein forms T32S, T54S, T61S.
Identifiers: ClinVar variation 4811548 (VCV004811548.1).